The following is an entry in ClinVar:

NC_000005.9:g.(?_138253411)_(138269778_?)del

Gene: CTNNA1 (catenin alpha 1; plus strand). Cytogenetic location: 5q31.2.
Variant type: Deletion.
Identifiers: ClinVar variation 2424310 (VCV002424310.3).

ClinVar aggregate classification (germline): Uncertain significance (1 of 4 stars; one submission).

Submission:

Labcorp Genetics (formerly Invitae), Labcorp
Classification: Uncertain significance. Last evaluated: 2022-01-01. Review status: criteria provided, single submitter. Criteria: Invitae Variant Classification Sherloc (09022015). Collection method: clinical testing. Allele origin: germline.
Comment: This variant is a gross deletion of the genomic region encompassing exon(s) 11-18 of the CTNNA1 gene, which includes the termination codon. This deletion extends beyond the assayed region for this gene and therefore may encompass additional genes. While this deletion is not anticipated to lead to nonsense mediated decay, it is expected to alter mRNA translation or result in a truncated protein product. This variant has not been reported in the literature in individuals affected with CTNNA1-related conditions. Experimental studies and prediction algorithms are not available or were not evaluated, and the functional significance of this variant is currently unknown. In summary, the available evidence is currently insufficient to determine the role of this variant in disease. Therefore, it has been classified as a Variant of Uncertain Significance.